The following is an entry in ClinVar:

ClinVar aggregate classification (germline): Benign. Review status: criteria provided, multiple submitters, no conflicts (2 of 4 stars). 3 submissions from 2 submitters: Benign (3). Last evaluated 2017-04-27.

Conditions:
Liddle syndrome 2. Identifiers: MedGen C4748251, MONDO:0020854, OMIM 618114.
Pseudohypoaldosteronism, type IB1, autosomal recessive. Also called: Pseudohypoaldosteronism, Type I, Autosomal Recessive; PHA I, AUTOSOMAL RECESSIVE; Pseudohypoaldosteronism, Type I, Recessive; Autosomal recessive pseudohypoaldosteronism type 1. Identifiers: Orphanet 171876, Orphanet 756, MedGen C5774176, MONDO:0009917, OMIM 264350.

Allele frequency attached by ClinVar (database versions not stated): 1000 Genomes Project 30x 0.33854; 1000 Genomes Project 0.33886; gnomAD exomes 0.40090; TOPMed 0.41146; gnomAD 0.41470.
gnomAD v4.1: 62,611 of 152,128 alleles (41%); highest among the groups gnomAD compares: Middle Eastern, 45%; 13,146 homozygotes.

Submissions (3):

Illumina Laboratory Services, Illumina
Classification: Benign for Pseudohypoaldosteronism, type IB1, autosomal recessive. Last evaluated: 2017-04-27. Review status: criteria provided, single submitter. Criteria: ICSL Variant Classification Criteria 13 December 2019. Collection method: clinical testing. Allele origin: germline.
Comment: This variant was observed as part of a predisposition screen in an ostensibly healthy population. A literature search was performed for the gene, cDNA change, and amino acid change (where applicable). No publications were found based on this search. Allele frequency data from public databases was too high to be consistent with this variant causing disease. Therefore, this variant is classified as benign.

Illumina Laboratory Services, Illumina
Classification: Benign for Liddle syndrome 2. Last evaluated: 2017-04-27. Review status: criteria provided, single submitter. Criteria: ICSL Variant Classification Criteria 13 December 2019. Collection method: clinical testing. Allele origin: germline.
Comment: the same text as in the submission from Illumina Laboratory Services, Illumina above.

Breakthrough Genomics
Classification: Benign. Review status: criteria provided, single submitter. Criteria: ACMG Guidelines, 2015. Collection method: not provided. Allele origin: germline. Inheritance: Autosomal dominant inheritance. Affected: yes.

NM_001039.4(SCNN1G):c.*789T>C

Gene: SCNN1G (sodium channel epithelial 1 subunit gamma; plus strand). Cytogenetic location: 16p12.2.
Variant type: single nucleotide variant.
Coding change: c.*789T>C on transcript NM_001039.4 (MANE Select); 789 bases downstream of the stop codon, T replaced by C.
Molecular consequence: 3 prime UTR variant.
Genome position (GRCh38, 1-based): chr16:23,216,258, T>C. VCF-style: chr16-23216258-T-C. GRCh37 (hg19) VCF-style: chr16-23227579-T-C.
Identifiers: ClinVar variation 318373 (VCV000318373.6), dbSNP rs9923016, ClinGen allele CA10647177.